The following is an entry in ClinVar:

ClinVar aggregate classification (germline): Uncertain significance (0 of 4 stars; one submission).

Conditions:
TJP2-related disorder. Also called: TJP2-related condition.

Submission:

PreventionGenetics, part of Exact Sciences
Classification: Uncertain significance for TJP2-related condition. Last evaluated: 2024-06-21. Review status: no assertion criteria provided. Collection method: clinical testing. Allele origin: germline.
Comment: The TJP2 c.3263T>C variant is predicted to result in the amino acid substitution p.Met1088Thr. To our knowledge, this variant has not been reported in the literature. This variant is reported in 0.012% of alleles in individuals of African descent in gnomAD. At this time, the clinical significance of this variant is uncertain due to the absence of conclusive functional and genetic evidence.

NM_004817.4(TJP2):c.3263T>C (p.Met1088Thr)

Gene: TJP2 (tight junction protein 2; plus strand). Cytogenetic location: 9q21.11.
Variant type: single nucleotide variant.
Coding change: c.3263T>C on transcript NM_004817.4 (MANE Select); coding-DNA position 3263, T replaced by C.
Protein change: p.Met1088Thr; replaces methionine 1088 with threonine.
Molecular consequence: missense variant. On other transcripts: intron variant (3).
Genome position (GRCh38, 1-based): chr9:69,251,306, T>C. VCF-style: chr9-69251306-T-C. GRCh37 (hg19) VCF-style: chr9-71866222-T-C.
Other names: c.3164T>C, p.Met1055Thr (NM_001170415.1); c.3356T>C, p.Met1119Thr (NM_001170416.2); c.3188T>C, p.Met1063Thr (NM_001369870.1); c.3194T>C, p.Met1065Thr (NM_001369871.1); c.3152T>C, p.Met1051Thr (NM_001369872.1); c.2939T>C, p.Met980Thr (NM_001369873.1); c.3275T>C, p.Met1092Thr (NM_001369875.1); c.2812-1509T>C (NM_001170414.2); and 2 more; short protein forms M1051T, M1055T, M1063T, M1065T, M1088T, M1092T, M1119T, M980T.
Identifiers: ClinVar variation 3354662 (VCV003354662.1).